The following is an entry in ClinVar:

ClinVar aggregate classification (germline): Uncertain significance (1 of 4 stars; one submission).

Submission:

Dasa
Classification: Uncertain significance. Last evaluated: 2025-07-20. Review status: criteria provided, single submitter. Criteria: DASA Assertion Criteria. Collection method: clinical testing. Allele origin: germline.
Comment: NM_012470.4(TNPO3):c.1081dup (p.Ile361Asnfs*27) is a frameshift variant in TNPO3 predicted to alter the reading frame and introduce a premature termination codon. This variant is absent from population databases. The currently available literature and clinical evidence are not sufficient to establish a definitive association between this variant and the reported condition. Therefore, this variant is classified as a variant of uncertain significance.

NM_012470.4(TNPO3):c.1081dup (p.Ile361fs)

Gene: TNPO3 (transportin 3; minus strand). Cytogenetic location: 7q32.1.
Variant type: Duplication.
Coding change: c.1081dup on transcript NM_012470.4 (MANE Select); coding-DNA position 1081, one base duplicated (A; older notation c.1081dupA).
Protein change: p.Ile361fs; shifts the reading frame from isoleucine 361.
Molecular consequence: frameshift variant. On other transcripts: non-coding transcript variant (17), intron variant (1).
Genome position (GRCh38, 1-based): chr7:128,997,466, T duplicated on the plus strand (A on the coding strand, the reverse complement: TNPO3 is on the minus strand). VCF-style (leftmost placement, unchanged base first): chr7-128997465-A-AT. GRCh37 (hg19) VCF-style: chr7-128637519-A-AT.
Other names: c.1081dup, p.Ile361fs (NM_001191028.3, NM_001382216.1, NM_001382218.1 and 3 more transcripts); c.1162dup, p.Ile388fs (NM_001382217.1); c.937dup, p.Ile313fs (NM_001382221.1); c.1011+2963dup (NM_001382222.1); short protein forms I313fs, I361fs, I388fs.
Identifiers: ClinVar variation 4886254 (VCV004886254.2).